The following is an entry in ClinVar:

ClinVar aggregate classification (germline): Uncertain significance (1 of 4 stars; one submission).

Submission:

Greenwood Genetic Center Diagnostic Laboratories, Greenwood Genetic Center
Classification: Uncertain significance. Last evaluated: 2021-04-09. Review status: criteria provided, single submitter. Criteria: ACMG Guidelines, 2015. Collection method: clinical testing. Allele origin: germline. Affected: yes.
Comment: PP2, PP3, PM2

NM_006015.6(ARID1A):c.5871C>A (p.Asp1957Glu)

Gene: ARID1A (AT-rich interaction domain 1A; plus strand). Cytogenetic location: 1p36.11.
Variant type: single nucleotide variant.
Coding change: c.5871C>A on transcript NM_006015.6 (MANE Select); coding-DNA position 5871, C replaced by A.
Protein change: p.Asp1957Glu; replaces aspartic acid 1957 with glutamic acid.
Molecular consequence: missense variant.
Genome position (GRCh38, 1-based): chr1:26,779,769, C>A. VCF-style: chr1-26779769-C-A. GRCh37 (hg19) VCF-style: chr1-27106260-C-A.
Other names: c.5220C>A, p.Asp1740Glu (NM_139135.4); short protein forms D1740E, D1957E.
Identifiers: ClinVar variation 1334734 (VCV001334734.4), dbSNP rs761246391, ClinGen allele CA339188642.